The following is an entry in ClinVar:

ClinVar aggregate classification (germline): Uncertain significance (1 of 4 stars; one submission).

Conditions:
Ataxia-telangiectasia syndrome (AT). Also called: Cerebello-oculocutaneous telangiectasia; Immunodeficiency with ataxia telangiectasia; Ataxia-telangiectasia, complementation group E; Ataxia telangiectasia (A-T); AT, COMPLEMENTATION GROUP C; ATAXIA-TELANGIECTASIA, COMPLEMENTATION GROUP A. Identifiers: Orphanet 100, MedGen C0004135, MONDO:0008840, OMIM 208900.

Submission:

Labcorp Genetics (formerly Invitae), Labcorp
Classification: Uncertain significance for Ataxia-telangiectasia syndrome. Last evaluated: 2023-07-03. Review status: criteria provided, single submitter. Criteria: Invitae Variant Classification Sherloc (09022015). Collection method: clinical testing. Allele origin: germline.
Comment: In summary, the available evidence is currently insufficient to determine the role of this variant in disease. Therefore, it has been classified as a Variant of Uncertain Significance. An algorithm developed to predict the effect of missense changes on protein structure and function (PolyPhen-2) suggests that this variant is likely to be tolerated. This variant has not been reported in the literature in individuals affected with ATM-related conditions. This variant is not present in population databases (gnomAD no frequency). This sequence change replaces asparagine, which is neutral and polar, with aspartic acid, which is acidic and polar, at codon 562 of the ATM protein (p.Asn562Asp).

NM_000051.4(ATM):c.1684A>G (p.Asn562Asp)

Gene: ATM (ATM serine/threonine kinase; plus strand). Cytogenetic location: 11q22.3.
Variant type: single nucleotide variant.
Coding change: c.1684A>G on transcript NM_000051.4 (MANE Select); coding-DNA position 1684, A replaced by G.
Protein change: p.Asn562Asp; replaces asparagine 562 with aspartic acid.
Molecular consequence: missense variant.
Genome position (GRCh38, 1-based): chr11:108,251,913, A>G. VCF-style: chr11-108251913-A-G. GRCh37 (hg19) VCF-style: chr11-108122640-A-G.
Other names: c.1684A>G, p.Asn562Asp (NM_001351834.2); short protein forms N562D.
Identifiers: ClinVar variation 2899930 (VCV002899930.3), dbSNP rs1424334571, ClinGen allele CA382535174.